The following is an entry in ClinVar:

NM_001356.5(DDX3X):c.1906G>A (p.Gly636Arg)

Gene: DDX3X (DEAD-box helicase 3 X-linked; plus strand). Cytogenetic location: Xp11.4.
Variant type: single nucleotide variant.
Coding change: c.1906G>A on transcript NM_001356.5 (MANE Select); coding-DNA position 1906, G replaced by A.
Protein change: p.Gly636Arg; replaces glycine 636 with arginine.
Molecular consequence: missense variant. On other transcripts: non-coding transcript variant (1).
Genome position (GRCh38, 1-based): chrX:41,347,448, G>A. VCF-style: chrX-41347448-G-A. GRCh37 (hg19) VCF-style: chrX-41206701-G-A.
Other names: c.1903G>A, p.Gly635Arg (NM_001193416.3); c.1858G>A, p.Gly620Arg (NM_001193417.3); c.1345G>A, p.Gly449Arg (NM_001363819.1); short protein forms G449R, G620R, G635R, G636R.
Identifiers: ClinVar variation 1314811 (VCV001314811.2), dbSNP rs1351543785, ClinGen allele CA412779788.

ClinVar aggregate classification (germline): Uncertain significance (1 of 4 stars; one submission).

Submission:

GeneDx
Classification: Uncertain significance. Last evaluated: 2021-04-26. Review status: criteria provided, single submitter. Criteria: GeneDx Variant Classification Process June 2021. Collection method: clinical testing. Allele origin: germline. Affected: yes.
Comment: Not observed in large population cohorts (Lek et al., 2016); In silico analysis supports that this missense variant does not alter protein structure/function; Has not been previously published as pathogenic or benign to our knowledge